The following is an entry in ClinVar:

ClinVar aggregate classification (germline): Pathogenic (1 of 4 stars; one submission).

Submission:

Labcorp Genetics (formerly Invitae), Labcorp
Classification: Pathogenic. Last evaluated: 2024-03-14. Review status: criteria provided, single submitter. Criteria: Invitae Variant Classification Sherloc (09022015). Collection method: clinical testing. Allele origin: germline.
Comment: This sequence change creates a premature translational stop signal (p.Ser142Cysfs*22) in the PEPD gene. It is expected to result in an absent or disrupted protein product. Loss-of-function variants in PEPD are known to be pathogenic (PMID: 8198124, 10721675, 12384772, 17142620). This variant is not present in population databases (gnomAD no frequency). This variant has not been reported in the literature in individuals affected with PEPD-related conditions. For these reasons, this variant has been classified as Pathogenic.

Literature cited by the submitters: PubMed 8198124; PubMed 10721675; PubMed 12384772; PubMed 17142620.

NM_000285.4(PEPD):c.425_426del (p.Ser142fs)

Gene: PEPD (peptidase D; minus strand). Cytogenetic location: 19q13.11.
Variant type: Microsatellite.
Coding change: c.425_426del on transcript NM_000285.4 (MANE Select); coding-DNA positions 425 to 426, 2 bases deleted (CT; older notation c.425_426delCT).
Protein change: p.Ser142fs; shifts the reading frame from serine 142.
Molecular consequence: frameshift variant.
Genome position (GRCh38, 1-based): chr19:33,493,305-33,493,306, AG deleted on the plus strand (CT on the coding strand, the reverse complement: PEPD is on the minus strand); deleting any 2 consecutive bases within chr19:33,493,305-33,493,308 gives the same sequence; the c. name uses the placement nearest the transcript's 3' end. VCF-style (leftmost placement, unchanged base first): chr19-33493304-CAG-C. GRCh37 (hg19) VCF-style: chr19-33984210-CAG-C.
Other names: c.425_426del, p.Ser142fs (NM_001166056.2); c.233_234del, p.Ser78fs (NM_001166057.2); short protein forms S142fs, S78fs.
Identifiers: ClinVar variation 3628768 (VCV003628768.2).